The following is an entry in ClinVar:

ClinVar aggregate classification (germline): Conflicting classifications of pathogenicity. Review status: criteria provided, conflicting classifications (1 of 4 stars). 7 submissions from 7 submitters: Uncertain significance (1); Benign (1); Likely benign (4). 1 of the submissions does not count toward it. Last evaluated 2026-01-26.

Conditions:
Primary ciliary dyskinesia. Also called: Ciliary dyskinesia. Identifiers: Orphanet 244, MedGen C0008780, MONDO:0016575, HP:0012265.
Primary ciliary dyskinesia 15. Also called: CILIARY DYSKINESIA, PRIMARY, 15, WITH OR WITHOUT SITUS INVERSUS. Identifiers: Orphanet 244, MedGen C3151137, MONDO:0013435, OMIM 613808.

Allele frequency attached by ClinVar (database versions not stated): gnomAD exomes 0.00033 and 0.00073; ExAC 0.00090; ESP Exome Variant Server 0.00224; gnomAD 0.00279 and 0.00301; TOPMed 0.00326; 1000 Genomes Project 0.00339; 1000 Genomes Project 30x 0.00359.

Submissions (7):

Labcorp Genetics (formerly Invitae), Labcorp
Classification: Likely benign for Primary ciliary dyskinesia. Last evaluated: 2026-01-26. Review status: criteria provided, single submitter. Criteria: Invitae Variant Classification Sherloc (09022015). Collection method: clinical testing. Allele origin: germline.

Mayo Clinic Laboratories, Mayo Clinic
Classification: Benign. Last evaluated: 2025-03-06. Review status: criteria provided, single submitter. Criteria: ACMG Guidelines, 2015. Collection method: clinical testing. Allele origin: germline. Observed: 1 variant allele.
Comment: BS1, BS2, BP4_moderate

Blueprint Genetics
Classification: Likely benign. Last evaluated: 2024-11-06. Review status: criteria provided, single submitter. Criteria: ACMG Guidelines, 2015. Collection method: clinical testing. Allele origin: germline.

GeneDx
Classification: Likely benign. Last evaluated: 2024-10-30. Review status: criteria provided, single submitter. Criteria: GeneDx Variant Classification Process June 2021. Collection method: clinical testing. Allele origin: germline. Affected: yes.
Comment: In silico analysis supports that this missense variant has a deleterious effect on protein structure/function; Has not been previously published as pathogenic or benign to our knowledge

Ambry Genetics
Classification: Likely benign for Primary ciliary dyskinesia. Last evaluated: 2021-10-04. Review status: criteria provided, single submitter. Criteria: Ambry Variant Classification Scheme 2023. Collection method: clinical testing. Allele origin: germline.

Illumina Laboratory Services, Illumina
Classification: Uncertain significance for Primary ciliary dyskinesia 15. Last evaluated: 2018-01-12. Review status: criteria provided, single submitter. Criteria: ICSL Variant Classification Criteria 13 December 2019. Collection method: clinical testing. Allele origin: germline.

Department of Pathology and Laboratory Medicine, Sinai Health System
Classification: Likely benign. Review status: no assertion criteria provided. Collection method: clinical testing. Allele origin: unknown. Affected: yes. Study: The Canadian Open Genetics Repository (COGR). Not counted in ClinVar's aggregate classification.
Comment: The CCDC40 p.Asp673Asn variant was not identified in the literature nor was it identified in Cosmic. The variant was identified in dbSNP (ID: rs115850223), ClinVar (classified as likely benign by Invitae and as a VUS by Illumina Clinical Services for ciliary dyskinesia) and in LOVD 3.0 (classified as likely benign). The variant was also identified in control databases in 258 of 280770 chromosomes at a frequency of 0.000919 increasing the likelihood this could be a low frequency benign variant (Genome Aggregation Database Feb 27, 2017). The variant was observed in the following populations: African in 215 of 24180 chromosomes (freq: 0.008892), Latino in 31 of 35360 chromosomes (freq: 0.000877), Other in 2 of 7146 chromosomes (freq: 0.00028), European (non-Finnish) in 9 of 128602 chromosomes (freq: 0.00007) and South Asian in 1 of 30594 chromosomes (freq: 0.000033), while the variant was not observed in the Ashkenazi Jewish, East Asian or European (Finnish) populations. The variant occurs outside of the splicing consensus sequence however in silico or computational prediction software programs, (SpliceSiteFinder, MaxEntScan, NNSPLICE, GeneSplicer) predict a greater than 10% difference in splicing and the creation of a new 5' splice site. The p.Asp673 residue is not conserved in mammals however computational analyses (PolyPhen-2, SIFT, AlignGVGD, BLOSUM, MutationTaster) do not suggest a high likelihood of impact to the protein; this information is not predictive enough to rule out pathogenicity. In summary, based on the above information the clinical significance of this variant cannot be determined with certainty at this time although we would lean towards a more benign role for this variant. This variant is classified as likely benign.

NM_017950.4(CCDC40):c.2017G>A (p.Asp673Asn)

Gene: CCDC40 (coiled-coil domain 40 molecular ruler complex subunit; plus strand). Cytogenetic location: 17q25.3.
Variant type: single nucleotide variant.
Coding change: c.2017G>A on transcript NM_017950.4 (MANE Select); coding-DNA position 2017, G replaced by A.
Protein change: p.Asp673Asn; replaces aspartic acid 673 with asparagine.
Molecular consequence: missense variant.
Genome position (GRCh38, 1-based): chr17:80,084,770, G>A. VCF-style: chr17-80084770-G-A. GRCh37 (hg19) VCF-style: chr17-78058569-G-A.
Other names: p.Asp673Asn; c.2017G>A, p.Asp673Asn (NM_001243342.2); short protein forms D673N.
Identifiers: ClinVar variation 215897 (VCV000215897.22), dbSNP rs115850223, ClinGen allele CA336041.
Genomic context (GRCh38, chr17:80,084,770, plus strand): 5'-AATATTCACAGGTATTTCTTTTCATCAATTCAGATGACACATCTTTCCAAAATCAACGGT[G>A]ACATTGCCCAGACCACCCTGGACATCACACACACCAGCAGCAGGCTGGACGCACACCAGA-3'
Protein context (NP_060420.2, residues 663-683): MMTHLSKING[Asp673Asn]IAQTTLDITH